The following is an entry in ClinVar:

ClinVar aggregate classification (germline): Uncertain significance. Review status: criteria provided, multiple submitters, no conflicts (2 of 4 stars). 2 submissions from 2 submitters: Uncertain significance (2). Last evaluated 2024-02-24.

Conditions:
Emery-Dreifuss muscular dystrophy (EDMD). Also called: Scapuloperoneal syndrome, X-linked (formerly); Humeroperoneal neuromuscular disease, (formerly). Identifiers: Orphanet 261, MedGen C0410189, MONDO:0016830.

Submissions (2):

Labcorp Genetics (formerly Invitae), Labcorp
Classification: Uncertain significance for Emery-Dreifuss muscular dystrophy. Last evaluated: 2024-02-24. Review status: criteria provided, single submitter. Criteria: Invitae Variant Classification Sherloc (09022015). Collection method: clinical testing. Allele origin: germline.
Comment: This sequence change replaces arginine, which is basic and polar, with leucine, which is neutral and non-polar, at codon 190 of the SUN2 protein (p.Arg190Leu). This variant is not present in population databases (gnomAD no frequency). This variant has not been reported in the literature in individuals affected with SUN2-related conditions. ClinVar contains an entry for this variant (Variation ID: 1501900). An algorithm developed to predict the effect of missense changes on protein structure and function (PolyPhen-2) suggests that this variant is likely to be disruptive. In summary, the available evidence is currently insufficient to determine the role of this variant in disease. Therefore, it has been classified as a Variant of Uncertain Significance.

Ambry Genetics
Classification: Uncertain significance. Last evaluated: 2022-04-22. Review status: criteria provided, single submitter. Criteria: Ambry Variant Classification Scheme 2023. Collection method: clinical testing. Allele origin: germline.

NM_015374.3(SUN2):c.569G>T (p.Arg190Leu)

Gene: SUN2 (Sad1 and UNC84 domain containing 2; minus strand). Cytogenetic location: 22q13.1.
Variant type: single nucleotide variant.
Coding change: c.569G>T on transcript NM_015374.3 (MANE Select); coding-DNA position 569, G replaced by T.
Protein change: p.Arg190Leu; replaces arginine 190 with leucine.
Molecular consequence: missense variant. On other transcripts: intron variant (1).
Genome position (GRCh38, 1-based): chr22:38,749,811, C>A on the plus strand (G>T on the coding strand, the complement: SUN2 is on the minus strand). VCF-style: chr22-38749811-C-A. GRCh37 (hg19) VCF-style: chr22-39145816-C-A.
Other names: c.569G>T (NM_015374.2); c.632G>T, p.Arg211Leu (NM_001199579.2, NM_001394428.1); c.569G>T, p.Arg190Leu (NM_001199580.2, NM_001394427.1, NM_001394431.1 and 9 more transcripts); c.614G>T, p.Arg205Leu (NM_001394429.1, NM_001394430.1); c.479G>T, p.Arg160Leu (NM_001394438.1); c.431G>T, p.Arg144Leu (NM_001394439.1, NM_001394440.1, NM_001394441.1); c.123-1028G>T (NM_001394443.1); short protein forms R211L, R144L, R160L, R190L, R205L.
Identifiers: ClinVar variation 1501900 (VCV001501900.7), dbSNP rs149088273, ClinGen allele CA411586198.